The following is an entry in ClinVar:

ClinVar aggregate classification (germline): Likely benign (1 of 4 stars; one submission).

Conditions:
SLC34A3-related disorder. Also called: SLC34A3-related condition.

Submission:

PreventionGenetics, part of Exact Sciences
Classification: Likely benign for SLC34A3-related condition. Last evaluated: 2026-01-06. Review status: criteria provided, single submitter. Criteria: ACMG Guidelines, 2015. Collection method: clinical testing. Allele origin: germline.
Comment: This variant is classified as likely benign based on ACMG/AMP sequence variant interpretation guidelines (Richards et al. 2015 PMID: 25741868, with internal and published modifications).

NM_001177316.2(SLC34A3):c.*1C>T

Genes: SLC34A3 (solute carrier family 34 member 3; plus strand), LOC130003098 (ATAC-STARR-seq lymphoblastoid silent region 20596; plus strand). Cytogenetic location: 9q34.3.
Variant type: single nucleotide variant.
Coding change: c.*1C>T on transcript NM_001177316.2 (MANE Select); 1 bases downstream of the stop codon, C replaced by T.
Molecular consequence: 3 prime UTR variant.
Genome position (GRCh38, 1-based): chr9:137,236,417, C>T. VCF-style: chr9-137236417-C-T. GRCh37 (hg19) VCF-style: chr9-140130869-C-T.
Other names: c.*1C>T (NM_001177317.2, NM_080877.3).
Identifiers: ClinVar variation 4989031 (VCV004989031.1).
Genomic context (GRCh38, chr9:137,236,417, plus strand): 5'-ACCACCAAAGAGGCCTACTGCTACGAGAACCCTGAGATCTTGGCCTCCCAGCAGTTGTGA[C>T]GGGCAGTTGCTGAGCAGACCGCCCCACCCTCCCCGGCTGGGAGGGCTCTGGAGGGCCCTG-3'